The following is an entry in ClinVar:

NM_006950.3(SYN1):c.57_63del (p.Asn19fs)

Gene: SYN1 (synapsin I; minus strand). Cytogenetic location: Xp11.23.
Variant type: Deletion.
Coding change: c.57_63del on transcript NM_006950.3 (MANE Select); coding-DNA positions 57 to 63, 7 bases deleted (TGGGTAC; older notation c.57_63delTGGGTAC).
Protein change: p.Asn19fs; shifts the reading frame from asparagine 19.
Molecular consequence: frameshift variant.
Genome position (GRCh38, 1-based): chrX:47,619,666-47,619,672, GTACCCA deleted on the plus strand (TGGGTAC on the coding strand, the reverse complement: SYN1 is on the minus strand). VCF-style (leftmost placement, unchanged base first): chrX-47619665-TGTACCCA-T. GRCh37 (hg19) VCF-style: chrX-47479064-TGTACCCA-T.
Other names: c.57_63del, p.Asn19fs (NM_133499.2); short protein forms N19fs.
Identifiers: ClinVar variation 2694635 (VCV002694635.3), dbSNP rs2519712556, ClinGen allele CA2697553087.

ClinVar aggregate classification (germline): Pathogenic (1 of 4 stars; one submission).

Conditions:
Epilepsy, X-linked 1, with variable learning disabilities and behavior disorders. Also called: X-linked epilepsy-learning disabilities-behavior disorders syndrome. Identifiers: Orphanet 85294, MedGen C5774177, MONDO:0010339, OMIM 300491.

Submission:

Labcorp Genetics (formerly Invitae), Labcorp
Classification: Pathogenic for Epilepsy, X-linked 1, with variable learning disabilities and behavior disorders. Last evaluated: 2024-06-05. Review status: criteria provided, single submitter. Criteria: Invitae Variant Classification Sherloc (09022015). Collection method: clinical testing. Allele origin: germline.
Comment: This sequence change creates a premature translational stop signal (p.Asn19Lysfs*2) in the SYN1 gene. It is expected to result in an absent or disrupted protein product. Loss-of-function variants in SYN1 are known to be pathogenic (PMID: 14985377, 21441247). This variant is not present in population databases (gnomAD no frequency). This variant has not been reported in the literature in individuals affected with SYN1-related conditions. For these reasons, this variant has been classified as Pathogenic.

Literature cited by the submitters: PubMed 14985377; PubMed 21441247.